The following is an entry in ClinVar:

NM_000097.7(CPOX):c.557-10C>G

Gene: CPOX (coproporphyrinogen oxidase; minus strand). Cytogenetic location: 3q11.2.
Variant type: single nucleotide variant.
Coding change: c.557-10C>G on transcript NM_000097.7 (MANE Select); 10 bases into the intron before coding-DNA position 557, C replaced by G.
Molecular consequence: intron variant.
Genome position (GRCh38, 1-based): chr3:98,591,165, G>C on the plus strand (C>G on the coding strand, the complement: CPOX is on the minus strand). VCF-style: chr3-98591165-G-C. GRCh37 (hg19) VCF-style: chr3-98310009-G-C.
Other names: c.557-10C>G (LRG_1077t1).
Identifiers: ClinVar variation 489255 (VCV000489255.5), dbSNP rs1553696573, ClinGen allele CA658683367.

ClinVar aggregate classification (germline): Conflicting classifications of pathogenicity. Review status: criteria provided, conflicting classifications (1 of 4 stars). 2 submissions from 2 submitters: Uncertain significance (1); Likely benign (1). Last evaluated 2023-01-28.

Allele frequency attached by ClinVar (database versions not stated): gnomAD exomes below 0.00001; gnomAD 0.00001.
gnomAD v4.1: 4 of 1,613,970 alleles (0.00025%); highest among the groups gnomAD compares: Non-Finnish European, 0.00034%; no homozygotes.

Submissions (2):

Labcorp Genetics (formerly Invitae), Labcorp
Classification: Likely benign. Last evaluated: 2023-01-28. Review status: criteria provided, single submitter. Criteria: Invitae Variant Classification Sherloc (09022015). Collection method: clinical testing. Allele origin: germline.

GeneDx
Classification: Uncertain significance. Last evaluated: 2017-12-26. Review status: criteria provided, single submitter. Criteria: GeneDx Variant Classification (06012015). Collection method: clinical testing. Allele origin: germline. Affected: yes.
Comment: The c.557-10C>G variant in the CPOX gene has not been reported previously as a pathogenic variant nor as a benign variant, to our knowledge. This variant reduces the quality of the splice acceptor site in intron 1, and is expected to cause abnormal gene splicing. The c.557-10C>G variant is not observed in large population cohorts (Lek et al., 2016). We interpret c.557-10C>G as a variant of uncertain significance.